The following is an entry in ClinVar:

NM_006565.4(CTCF):c.1157A>G (p.Tyr386Cys)

Gene: CTCF (CCCTC-binding factor; plus strand). Cytogenetic location: 16q22.1.
Variant type: single nucleotide variant.
Coding change: c.1157A>G on transcript NM_006565.4 (MANE Select); coding-DNA position 1157, A replaced by G.
Protein change: p.Tyr386Cys; replaces tyrosine 386 with cysteine.
Molecular consequence: missense variant.
Genome position (GRCh38, 1-based): chr16:67,620,767, A>G. VCF-style: chr16-67620767-A-G. GRCh37 (hg19) VCF-style: chr16-67654670-A-G.
Other names: c.1157A>G, p.Tyr386Cys (NM_001438968.1, NM_001438969.1, NM_001363916.2); c.173A>G, p.Tyr58Cys (NM_001191022.2); short protein forms Y386C, Y58C.
Identifiers: ClinVar variation 4526555 (VCV004526555.1).
Genomic context (GRCh38, chr16:67,620,767, plus strand): 5'-TAAAACGTCACATTCGCTCTCATACTGGAGAGCGTCCGTTTCAGTGCAGTTTGTGCAGTT[A>G]TGCCAGCAGGGACACATACAAGCTGAAAAGGCACATGAGAACCCATTCAGGTAGGACTTC-3'
Protein context (NP_006556.1, residues 376-396): ERPFQCSLCS[Tyr386Cys]ASRDTYKLKR

ClinVar aggregate classification (germline): Likely pathogenic (1 of 4 stars; one submission).

Conditions:
CTCF-related neurodevelopmental disorder. Also called: Intellectual disability-feeding difficulties-developmental delay-microcephaly syndrome; INTELLECTUAL DEVELOPMENTAL DISORDER, AUTOSOMAL DOMINANT 21. Identifiers: Orphanet 363611, MedGen C3809686, MONDO:0014213, OMIM 615502.

Submission:

MVZ Medizinische Genetik Mainz
Classification: Likely pathogenic for CTCF-related neurodevelopmental disorder. Last evaluated: 2024-05-22. Review status: criteria provided, single submitter. Criteria: UK Practice Guidelines For Variant Classification V4 01 2020. Collection method: clinical testing. Allele origin: germline. Inheritance: Autosomal dominant inheritance. Affected: yes. Observed: 1 variant allele.
Comment: ACMG Criteria: PM1,PM2_SUP,PP2